The following is an entry in ClinVar:

ClinVar aggregate classification (germline): Uncertain significance. Review status: criteria provided, multiple submitters, no conflicts (2 of 4 stars). 4 submissions from 4 submitters: Uncertain significance (4). Last evaluated 2026-05-11.

Conditions:
TWNK-related disorder. Also called: TWNK-related condition.

Allele frequency attached by ClinVar (database versions not stated): gnomAD 0.00001; gnomAD exomes 0.00001; TOPMed 0.00001.
gnomAD v4.1: 9 of 1,613,886 alleles (0.00056%); highest among the groups gnomAD compares: East Asian, 0.0022%; no homozygotes.

Submissions (4):

PreventionGenetics, part of Exact Sciences
Classification: Uncertain significance for TWNK-related condition. Last evaluated: 2026-05-11. Review status: criteria provided, single submitter. Criteria: ACMG Guidelines, 2015. Collection method: clinical testing. Allele origin: germline.
Comment: The TWNK c.1224C>T variant is not predicted to result in an amino acid change (p.=). This variant is predicted to impact splicing based on available splicing prediction programs (SpliceAI, Jaganathan et al. 2019. PubMed ID: 30661751). To our knowledge, this variant has not been reported in the literature. This variant is reported in 0.0050% of alleles in individuals of East Asian descent in gnomAD. At this time, the clinical significance of this variant is uncertain due to the absence of conclusive functional and genetic evidence.

Mayo Clinic Laboratories, Mayo Clinic
Classification: Uncertain significance. Last evaluated: 2025-09-02. Review status: criteria provided, single submitter. Criteria: ACMG Guidelines, 2015. Collection method: clinical testing. Allele origin: germline. Observed: 1 variant allele.
Comment: PP3

Labcorp Genetics (formerly Invitae), Labcorp
Classification: Uncertain significance. Last evaluated: 2024-06-20. Review status: criteria provided, single submitter. Criteria: Invitae Variant Classification Sherloc (09022015). Collection method: clinical testing. Allele origin: germline.
Comment: This sequence change affects codon 408 of the TWNK mRNA. It is a 'silent' change, meaning that it does not change the encoded amino acid sequence of the TWNK protein. This variant is present in population databases (no rsID available, gnomAD 0.005%). This variant has not been reported in the literature in individuals affected with TWNK-related conditions. ClinVar contains an entry for this variant (Variation ID: 1700949). Algorithms developed to predict the effect of sequence changes on RNA splicing suggest that this variant may disrupt the consensus splice site. In summary, the available evidence is currently insufficient to determine the role of this variant in disease. Therefore, it has been classified as a Variant of Uncertain Significance.

GeneDx
Classification: Uncertain significance. Last evaluated: 2022-02-14. Review status: criteria provided, single submitter. Criteria: GeneDx Variant Classification Process June 2021. Collection method: clinical testing. Allele origin: germline. Affected: yes.
Comment: In silico analysis supports a deleterious effect on splicing; Has not been previously published as pathogenic or benign to our knowledge

NM_021830.5(TWNK):c.1224C>T (p.Gly408=)

Gene: TWNK (twinkle mtDNA helicase; plus strand). Cytogenetic location: 10q24.31.
Variant type: single nucleotide variant.
Coding change: c.1224C>T on transcript NM_021830.5 (MANE Select); coding-DNA position 1224, C replaced by T.
Protein change: p.Gly408=; no amino-acid change (glycine 408 retained).
Molecular consequence: synonymous variant. On other transcripts: non-coding transcript variant (4), intron variant (3).
Genome position (GRCh38, 1-based): chr10:100,989,434, C>T. VCF-style: chr10-100989434-C-T. GRCh37 (hg19) VCF-style: chr10-102749191-C-T.
Other names: p.Gly408=; c.1224C>T, p.Gly408= (NM_001163812.2); c.-119-210C>T (NM_001163814.2, NM_001163813.2); c.-57-272C>T (NM_001368275.1).
Identifiers: ClinVar variation 1700949 (VCV001700949.6), dbSNP rs923943932, ClinGen allele CA212963312.